The following is an entry in ClinVar:

ClinVar aggregate classification (germline): Uncertain significance (1 of 4 stars; one submission).

Allele frequency attached by ClinVar (database versions not stated): gnomAD exomes below 0.00001; ExAC 0.00001.
gnomAD v4.1: 3 of 1,606,466 alleles (0.00019%); highest among the groups gnomAD compares: Non-Finnish European, 0.00017%; no homozygotes.

Submissions (2):

Labcorp Genetics (formerly Invitae), Labcorp
Classification: Uncertain significance. Last evaluated: 2022-08-02. Review status: criteria provided, single submitter. Criteria: Invitae Variant Classification Sherloc (09022015). Collection method: clinical testing. Allele origin: germline.
Comment: This sequence change replaces glutamic acid, which is acidic and polar, with lysine, which is basic and polar, at codon 692 of the ARHGEF18 protein (p.Glu692Lys). In summary, the available evidence is currently insufficient to determine the role of this variant in disease. Therefore, it has been classified as a Variant of Uncertain Significance. Algorithms developed to predict the effect of missense changes on protein structure and function (SIFT, PolyPhen-2, Align-GVGD) all suggest that this variant is likely to be tolerated. This variant has not been reported in the literature in individuals affected with ARHGEF18-related conditions. The frequency data for this variant in the population databases is considered unreliable, as metrics indicate poor data quality at this position in the gnomAD database.

Dr. Peter K. Rogan Lab, Western University
No classification provided (evidence only). Condition: Lung cancer. Review status: no classification provided. Collection method: in vitro. Allele origin: not applicable. Functional consequence: retained intron. Not counted in ClinVar's aggregate classification.

NM_001367823.1(ARHGEF18):c.2638G>A (p.Glu880Lys)

Gene: ARHGEF18 (Rho/Rac guanine nucleotide exchange factor 18; plus strand). Cytogenetic location: 19p13.2.
Variant type: single nucleotide variant.
Coding change: c.2638G>A on transcript NM_001367823.1 (MANE Select); coding-DNA position 2638, G replaced by A.
Protein change: p.Glu880Lys; replaces glutamic acid 880 with lysine.
Molecular consequence: missense variant.
Genome position (GRCh38, 1-based): chr19:7,463,820, G>A. VCF-style: chr19-7463820-G-A. GRCh37 (hg19) VCF-style: chr19-7528706-G-A.
Other names: c.1912G>A, p.Glu638Lys (NM_001130955.2); c.1600G>A, p.Glu534Lys (NM_001367824.1, NM_015318.4); short protein forms E534K, E638K, E880K.
Identifiers: ClinVar variation 1930542 (VCV001930542.6), dbSNP rs749592002, ClinGen allele CA9136934.